The following is an entry in ClinVar:

NM_001165963.4(SCN1A):c.5158A>G (p.Ile1720Val)

Genes: SCN1A (sodium voltage-gated channel alpha subunit 1; minus strand), LOC102724058 (uncharacterized LOC102724058; plus strand). Cytogenetic location: 2q24.3.
Variant type: single nucleotide variant.
Coding change: c.5158A>G on transcript NM_001165963.4 (MANE Select); coding-DNA position 5158, A replaced by G.
Protein change: p.Ile1720Val; replaces isoleucine 1720 with valine.
Molecular consequence: missense variant. On other transcripts: non-coding transcript variant (1).
Genome position (GRCh38, 1-based): chr2:165,992,117, T>C on the plus strand (A>G on the coding strand, the complement: SCN1A is on the minus strand). VCF-style: chr2-165992117-T-C. GRCh37 (hg19) VCF-style: chr2-166848627-T-C.
Other names: c.5074A>G, p.Ile1692Val (NM_001165964.3, NM_001353957.2, NM_001353958.2); c.5158A>G, p.Ile1720Val (NM_001202435.3, NM_001353948.2); c.5125A>G, p.Ile1709Val (NM_001353949.2, NM_001353950.2, NM_001353951.2 and 2 more transcripts); c.5122A>G, p.Ile1708Val (NM_001353954.2, NM_001353955.2); c.5071A>G, p.Ile1691Val (NM_001353960.2); c.2716A>G, p.Ile906Val (NM_001353961.2); short protein forms I1691V, I1692V, I1708V, I1709V, I1720V, I906V.
Identifiers: ClinVar variation 2430114 (VCV002430114.2), dbSNP rs2468336580, ClinGen allele CA349068860.

ClinVar aggregate classification (germline): Uncertain significance (1 of 4 stars; one submission).

Conditions:
Severe myoclonic epilepsy in infancy (DRVT). Also called: Epileptic encephalopathy, early infantile, 6 (Dravet syndrome); SEVERE MYOCLONIC EPILEPSY OF INFANCY; DEVELOPMENTAL AND EPILEPTIC ENCEPHALOPATHY 6A; Severe Myoclonic Epilepsy in Infancy (SMEI); Dravet syndrome. Identifiers: Orphanet 33069, MedGen C0751122, MONDO:0100135, OMIM 607208.

Submission:

Lifecell International Pvt. Ltd
Classification: Uncertain significance for Severe myoclonic epilepsy in infancy. Review status: criteria provided, single submitter. Criteria: ACMG Guidelines, 2015. Collection method: clinical testing. Allele origin: germline. Inheritance: Autosomal dominant inheritance. Affected: yes. Observed: 1 heterozygote.
Comment: A heterozygous missense variant (c.5158A>G) in exon 26 of the SCN1A gene that results in the amino acid substitution from Isoleucine to Valine at codon 1720 (p.Ile1720Val) was identified. The observed variant is not present in both the 1000 Genomes and gnomAD databases. The reference base is conserved across the species and in-silico predictions by SIFT is damaging. The Missense Variants Z-Score for this variant is 5.61. Missense Variants Z-Score is produced by the Exome Aggregation Consortium (60,706 adult humans) by computing a signed Z score for the deviation of observed counts from the expected number. Positive Z scores indicate increased constraint (intolerance to variation) and therefore that the gene had fewer missense variants than expected. (DOI: 10.1038/nature19057). Based on the above evidence this variant has been classified as variant of uncertain signficance according to the ACMG guidelines.